The following is an entry in ClinVar:

ClinVar aggregate classification (germline): Uncertain significance (1 of 4 stars; one submission).

Conditions:
Fanconi anemia (FA). Also called: Fanconi's anemia. Identifiers: Orphanet 84, MedGen C0015625, MeSH D005199, MONDO:0019391.

Submission:

Labcorp Genetics (formerly Invitae), Labcorp
Classification: Uncertain significance for Fanconi anemia. Last evaluated: 2023-04-22. Review status: criteria provided, single submitter. Criteria: Invitae Variant Classification Sherloc (09022015). Collection method: clinical testing. Allele origin: germline.
Comment: In summary, the available evidence is currently insufficient to determine the role of this variant in disease. Therefore, it has been classified as a Variant of Uncertain Significance. Advanced modeling of protein sequence and biophysical properties (such as structural, functional, and spatial information, amino acid conservation, physicochemical variation, residue mobility, and thermodynamic stability) performed at Invitae indicates that this missense variant is not expected to disrupt FANCB protein function. This variant has not been reported in the literature in individuals affected with FANCB-related conditions. This variant is not present in population databases (gnomAD no frequency). This sequence change replaces serine, which is neutral and polar, with proline, which is neutral and non-polar, at codon 164 of the FANCB protein (p.Ser164Pro).

NM_001018113.3(FANCB):c.490T>C (p.Ser164Pro)

Gene: FANCB (FA complementation group B; minus strand). Cytogenetic location: Xp22.2.
Variant type: single nucleotide variant.
Coding change: c.490T>C on transcript NM_001018113.3 (MANE Select); coding-DNA position 490, T replaced by C.
Protein change: p.Ser164Pro; replaces serine 164 with proline.
Molecular consequence: missense variant.
Genome position (GRCh38, 1-based): chrX:14,865,021, A>G on the plus strand (T>C on the coding strand, the complement: FANCB is on the minus strand). VCF-style: chrX-14865021-A-G. GRCh37 (hg19) VCF-style: chrX-14883143-A-G.
Other names: c.490T>C, p.Ser164Pro (NM_001324162.2, NM_001410764.1, NM_152633.4); short protein forms S164P.
Identifiers: ClinVar variation 2890211 (VCV002890211.3), dbSNP rs2519011493, ClinGen allele CA412444388.